The following is an entry in ClinVar:

NM_004239.4(TRIP11):c.223T>C (p.Cys75Arg)

Gene: TRIP11 (thyroid hormone receptor interactor 11; minus strand). Cytogenetic location: 14q32.12.
Variant type: single nucleotide variant.
Coding change: c.223T>C on transcript NM_004239.4 (MANE Select); coding-DNA position 223, T replaced by C.
Protein change: p.Cys75Arg; replaces cysteine 75 with arginine.
Molecular consequence: missense variant.
Genome position (GRCh38, 1-based): chr14:92,025,399, A>G on the plus strand (T>C on the coding strand, the complement: TRIP11 is on the minus strand). VCF-style: chr14-92025399-A-G. GRCh37 (hg19) VCF-style: chr14-92491743-A-G.
Other names: c.220T>C, p.Cys74Arg (NM_001321851.1); c.223T>C (NM_004239.3); short protein forms C74R, C75R.
Identifiers: ClinVar variation 665861 (VCV000665861.9), dbSNP rs201567600, ClinGen allele CA7314249.

ClinVar aggregate classification (germline): Uncertain significance. Review status: criteria provided, multiple submitters, no conflicts (2 of 4 stars). 2 submissions from 2 submitters: Uncertain significance (2). Last evaluated 2025-10-09.

Conditions:
Inborn genetic diseases. Identifiers: MedGen C0950123, MeSH D030342.
Achondrogenesis, type IA (ACG1A). Identifiers: Orphanet 932, Orphanet 93299, MedGen C0265273, MONDO:0008701, OMIM 200600.

Allele frequency attached by ClinVar (database versions not stated): TOPMed 0.00003; gnomAD exomes 0.00006 and 0.00007; ExAC 0.00008; gnomAD 0.00009.
gnomAD v4.1: 107 of 1,612,846 alleles (0.0066%); highest among the groups gnomAD compares: Non-Finnish European, 0.0064%; no homozygotes.

Submissions (2):

Labcorp Genetics (formerly Invitae), Labcorp
Classification: Uncertain significance for Achondrogenesis, type IA. Last evaluated: 2025-10-09. Review status: criteria provided, single submitter. Criteria: Invitae Variant Classification Sherloc (09022015). Collection method: clinical testing. Allele origin: germline.
Comment: This sequence change replaces cysteine, which is neutral and slightly polar, with arginine, which is basic and polar, at codon 75 of the TRIP11 protein (p.Cys75Arg). This variant is present in population databases (rs201567600, gnomAD 0.04%). This variant has not been reported in the literature in individuals affected with TRIP11-related conditions. ClinVar contains an entry for this variant (Variation ID: 665861). Invitae Evidence Modeling of protein sequence and biophysical properties (such as structural, functional, and spatial information, amino acid conservation, physicochemical variation, residue mobility, and thermodynamic stability) indicates that this missense variant is not expected to disrupt TRIP11 protein function with a negative predictive value of 80%. In summary, the available evidence is currently insufficient to determine the role of this variant in disease. Therefore, it has been classified as a Variant of Uncertain Significance.

Ambry Genetics
Classification: Uncertain significance for Inborn genetic diseases. Last evaluated: 2023-04-26. Review status: criteria provided, single submitter. Criteria: Ambry Variant Classification Scheme 2023. Collection method: clinical testing. Allele origin: germline.